The following is an entry in ClinVar:

NM_001004334.4(GPR179):c.2489C>G (p.Pro830Arg)

Gene: GPR179 (G protein-coupled receptor 179; minus strand). Cytogenetic location: 17q12.
Variant type: single nucleotide variant.
Coding change: c.2489C>G on transcript NM_001004334.4 (MANE Select); coding-DNA position 2489, C replaced by G.
Protein change: p.Pro830Arg; replaces proline 830 with arginine.
Molecular consequence: missense variant.
Genome position (GRCh38, 1-based): chr17:38,331,080, G>C on the plus strand (C>G on the coding strand, the complement: GPR179 is on the minus strand). VCF-style: chr17-38331080-G-C. GRCh37 (hg19) VCF-style: chr17-36486963-G-C.
Other names: short protein forms P830R.
Identifiers: ClinVar variation 2050811 (VCV002050811.4), dbSNP rs758212683, ClinGen allele CA290105788.

ClinVar aggregate classification (germline): Uncertain significance (1 of 4 stars; one submission).

Allele frequency attached by ClinVar (database versions not stated): ExAC 0.00001; gnomAD exomes 0.00001.
gnomAD v4.1: 7 of 1,600,136 alleles (0.00044%); highest among the groups gnomAD compares: Admixed American, 0.0084%; no homozygotes.

Submission:

Labcorp Genetics (formerly Invitae), Labcorp
Classification: Uncertain significance. Last evaluated: 2022-08-08. Review status: criteria provided, single submitter. Criteria: Invitae Variant Classification Sherloc (09022015). Collection method: clinical testing. Allele origin: germline.
Comment: This sequence change replaces proline, which is neutral and non-polar, with arginine, which is basic and polar, at codon 830 of the GPR179 protein (p.Pro830Arg). This variant is present in population databases (rs758212683, gnomAD 0.006%). This variant has not been reported in the literature in individuals affected with GPR179-related conditions. Algorithms developed to predict the effect of missense changes on protein structure and function are either unavailable or do not agree on the potential impact of this missense change (SIFT: "Deleterious"; PolyPhen-2: "Probably Damaging"; Align-GVGD: "Class C0"). In summary, the available evidence is currently insufficient to determine the role of this variant in disease. Therefore, it has been classified as a Variant of Uncertain Significance.